The following is an entry in ClinVar:

ClinVar aggregate classification (germline): Likely benign (1 of 4 stars; one submission).

Conditions:
Intellectual developmental disorder, autosomal dominant 57. Also called: MENTAL RETARDATION, AUTOSOMAL DOMINANT 57; Intellectual disability, autosomal dominant 57. Identifiers: MedGen C4748003, MONDO:0054837, OMIM 618050.

Submission:

Victorian Clinical Genetics Services, Murdoch Childrens Research Institute
Classification: Likely benign for Intellectual developmental disorder, autosomal dominant 57. Last evaluated: 2022-06-24. Review status: criteria provided, single submitter. Criteria: ACMG Guidelines, 2015. Collection method: clinical testing. Allele origin: germline. Inheritance: Autosomal dominant inheritance. Affected: yes.
Comment: Based on the classification scheme VCGS_Germline_v1.3.4, this variant is classified as Likely benign. Following criteria are met: 0102 - Loss of function is a known mechanism of disease in this gene and is associated with Intellectual developmental disorder, autosomal dominant 57 (MIM#618050). (I) 0107 - This gene is associated with autosomal dominant disease. (I) 0200 - Variant is predicted to result in a missense amino acid change from asparagine to aspartic acid. (I) 0251 - This variant is heterozygous. (I) 0301 - Variant is absent from gnomAD (both v2 and v3). (SP) 0309 - Two different alternative amino acid changes at the same position have been observed in gnomAD (v3; highest allele count: 91 heterozygotes, 0 homozygotes). (I) 0503 - Missense variant consistently predicted to be tolerated by multiple in silico tools or not conserved in placental mammals with a minor amino acid change. (SB) 0604 - Variant is not located in an established domain, motif, hotspot or informative constraint region. (I) 0705 - No comparable missense variants have previous evidence for pathogenicity. (I) 0807 - This variant has no previous evidence of pathogenicity. (I) 0904 - Non-segregation of this variant with the phenotype under investigation has been clearly demonstrated. (SB) 1007 - No published functional evidence has been identified for this variant. (I) Legend: (SP) - Supporting pathogenic, (I) - Information, (SB) - Supporting benign

NM_006852.6(TLK2):c.2233A>G (p.Asn745Asp)

Gene: TLK2 (tousled like kinase 2; plus strand). Cytogenetic location: 17q23.2.
Variant type: single nucleotide variant.
Coding change: c.2233A>G on transcript NM_006852.6 (MANE Select); coding-DNA position 2233, A replaced by G.
Protein change: p.Asn745Asp; replaces asparagine 745 with aspartic acid.
Molecular consequence: missense variant.
Genome position (GRCh38, 1-based): chr17:62,612,545, A>G. VCF-style: chr17-62612545-A-G. GRCh37 (hg19) VCF-style: chr17-60689906-A-G.
Other names: c.2299A>G, p.Asn767Asp (NM_001284333.3); c.2137A>G, p.Asn713Asp (NM_001284363.1, NM_001375272.1); c.1786A>G, p.Asn596Asp (NM_001330418.3, NM_001375273.1); c.2275A>G, p.Asn759Asp (NM_001375269.1); c.2233A>G, p.Asn745Asp (NM_001375270.1, NM_001375271.1); short protein forms N596D, N713D, N745D, N759D, N767D.
Identifiers: ClinVar variation 1699039 (VCV001699039.3), dbSNP rs2147361869, ClinGen allele CA400516609.
Genomic context (GRCh38, chr17:62,612,545, plus strand): 5'-AAGTCAGTCTCTACAAGTAGCCCTGCTGGAGCTGCTATTGCATCAACCTCTGGGGCGTCC[A>G]ATAACAGTTCTTCTAATTGAGACTGACTCCAAGGCCACAAACTGTTCAACACACACAAAG-3'
Protein context (NP_006843.2, residues 735-750): AAIASTSGAS[Asn745Asp]NSSSN